The following is an entry in ClinVar:

ClinVar aggregate classification (germline): Uncertain significance. Review status: criteria provided, multiple submitters, no conflicts (2 of 4 stars). 2 submissions from 2 submitters: Uncertain significance (2). Last evaluated 2025-03-18.

Conditions:
RAI1-related disorder. Also called: RAI1-related condition.

gnomAD v4.1: 2 of 1,613,326 alleles (0.00012%); highest among the groups gnomAD compares: Non-Finnish European, 0.00017%; no homozygotes.

Submissions (2):

PreventionGenetics, part of Exact Sciences
Classification: Uncertain significance for RAI1-related condition. Last evaluated: 2025-03-18. Review status: criteria provided, single submitter. Criteria: ACMG Guidelines, 2015. Collection method: clinical testing. Allele origin: germline.
Comment: The RAI1 c.1919C>G variant is predicted to result in the amino acid substitution p.Pro640Arg. To our knowledge, this variant has not been reported in the literature or in a large population database (gnomAD), indicating this variant is rare. At this time, the clinical significance of this variant is uncertain due to the absence of conclusive functional and genetic evidence.

Labcorp Genetics (formerly Invitae), Labcorp
Classification: Uncertain significance. Last evaluated: 2024-01-17. Review status: criteria provided, single submitter. Criteria: Invitae Variant Classification Sherloc (09022015). Collection method: clinical testing. Allele origin: germline.
Comment: This sequence change replaces proline, which is neutral and non-polar, with arginine, which is basic and polar, at codon 640 of the RAI1 protein (p.Pro640Arg). This variant is not present in population databases (gnomAD no frequency). This variant has not been reported in the literature in individuals affected with RAI1-related conditions. ClinVar contains an entry for this variant (Variation ID: 1518301). Advanced modeling of protein sequence and biophysical properties (such as structural, functional, and spatial information, amino acid conservation, physicochemical variation, residue mobility, and thermodynamic stability) performed at Invitae indicates that this missense variant is not expected to disrupt RAI1 protein function with a negative predictive value of 80%. In summary, the available evidence is currently insufficient to determine the role of this variant in disease. Therefore, it has been classified as a Variant of Uncertain Significance.

NM_030665.4(RAI1):c.1919C>G (p.Pro640Arg)

Gene: RAI1 (retinoic acid induced 1; plus strand). Cytogenetic location: 17p11.2.
Variant type: single nucleotide variant.
Coding change: c.1919C>G on transcript NM_030665.4 (MANE Select); coding-DNA position 1919, C replaced by G.
Protein change: p.Pro640Arg; replaces proline 640 with arginine.
Molecular consequence: missense variant.
Genome position (GRCh38, 1-based): chr17:17,794,867, C>G. VCF-style: chr17-17794867-C-G. GRCh37 (hg19) VCF-style: chr17-17698181-C-G.
Other names: c.1919C>G (NM_030665.3); short protein forms P640R.
Identifiers: ClinVar variation 1518301 (VCV001518301.9), dbSNP rs2143002081, ClinGen allele CA398549482.
Genomic context (GRCh38, chr17:17,794,867, plus strand): 5'-AGAAGGCCGACAAAGCTTGGGCTGAAGCACCCAGCCTGGTCAAGGACAGCAGCAAGCCAC[C>G]CTTCTCGCTGGAGAACCACAGCGCCTGCCTGGACTCTGTGGCCAAGAGTGCGTGGCCCCG-3'
Protein context (NP_109590.3, residues 630-650): PSLVKDSSKP[Pro640Arg]FSLENHSACL